The following is an entry in ClinVar:

NM_017637.6(BNC2):c.171G>T (p.Gln57His)

Gene: BNC2 (basonuclin zinc finger protein 2; minus strand). Cytogenetic location: 9p22.2.
Variant type: single nucleotide variant.
Coding change: c.171G>T on transcript NM_017637.6 (MANE Select); coding-DNA position 171, G replaced by T.
Protein change: p.Gln57His; replaces glutamine 57 with histidine.
Molecular consequence: missense variant. On other transcripts: intron variant (1).
Genome position (GRCh38, 1-based): chr9:16,727,956, C>A on the plus strand (G>T on the coding strand, the complement: BNC2 is on the minus strand). VCF-style: chr9-16727956-C-A. GRCh37 (hg19) VCF-style: chr9-16727954-C-A.
Other names: c.45G>T, p.Gln15His (NM_001317939.2); c.45+104288G>T (NM_001317940.2); short protein forms Q57H, Q15H.
Identifiers: ClinVar variation 120230 (VCV000120230.6), dbSNP rs145011045, ClinGen allele CA204318.

ClinVar aggregate classification (germline): Benign. Review status: criteria provided, single submitter (1 of 4 stars). 2 submissions from 2 submitters: Benign (1). 1 of the submissions does not count toward it. Last evaluated 2024-11-18.

Conditions:
Hypotension. Also called: Hypotensive disorder; low blood pressure. Identifiers: MedGen C0020649, MONDO:0005468, HP:0002615, MeSH D007022.

Allele frequency attached by ClinVar (database versions not stated): TOPMed 0.00002; 1000 Genomes Project 0.00020; gnomAD 0.00054 and 0.00058; ESP Exome Variant Server 0.00015; 1000 Genomes Project 30x 0.00016.
gnomAD v4.1: 561 of 1,614,082 alleles (0.035%); highest among the groups gnomAD compares: Non-Finnish European, 0.0075%; 2 homozygotes.

Submissions (2):

Labcorp Genetics (formerly Invitae), Labcorp
Classification: Benign. Last evaluated: 2024-11-18. Review status: criteria provided, single submitter. Criteria: Invitae Variant Classification Sherloc (09022015). Collection method: clinical testing. Allele origin: germline.

Centre for molecular medicine, Karolinska Institutet
No classification provided. Condition: Hypotension. Review status: no classification provided. Collection method: not provided. Allele origin: not provided. Not counted in ClinVar's aggregate classification.
Comment: hold until published